The following is an entry in ClinVar:

NM_020975.6(RET):c.1165C>T (p.Leu389Phe)

Gene: RET (ret proto-oncogene; plus strand). Cytogenetic location: 10q11.21.
Variant type: single nucleotide variant.
Coding change: c.1165C>T on transcript NM_020975.6 (MANE Select); coding-DNA position 1165, C replaced by T.
Protein change: p.Leu389Phe; replaces leucine 389 with phenylalanine.
Molecular consequence: missense variant.
Genome position (GRCh38, 1-based): chr10:43,109,132, C>T. VCF-style: chr10-43109132-C-T. GRCh37 (hg19) VCF-style: chr10-43604580-C-T.
Other names: c.1165C>T, p.Leu389Phe (NM_000323.2, NM_001406743.1, NM_001406744.1 and 6 more transcripts); c.403C>T, p.Leu135Phe (NM_001355216.2); c.1036C>T, p.Leu346Phe (NM_001406761.1, NM_001406762.1, NM_001406764.1 and 1 more transcripts); c.877C>T, p.Leu293Phe (NM_001406766.1, NM_001406767.1, NM_001406770.1); c.727C>T, p.Leu243Phe (NM_001406771.1, NM_001406773.1); c.439C>T, p.Leu147Phe (NM_001406775.1, NM_001406776.1, NM_001406777.1 and 1 more transcripts); c.175C>T, p.Leu59Phe (NM_001406784.1); short protein forms L389F, L135F, L243F, L346F, L147F, L293F, L59F.
Identifiers: ClinVar variation 405539 (VCV000405539.22), dbSNP rs895556824, ClinGen allele CA16613014.

ClinVar aggregate classification (germline): Conflicting classifications of pathogenicity. Review status: criteria provided, conflicting classifications (1 of 4 stars). 10 submissions from 7 submitters: Uncertain significance (8); Likely benign (2). Last evaluated 2025-10-15.

Conditions:
Hirschsprung disease, susceptibility to, 1 (HSCR1). Also called: RET-Related Hirschsprung Disease. Identifiers: Orphanet 388, MedGen C3888239, MONDO:0007723, OMIM 142623.
Multiple endocrine neoplasia type 2B. Also called: WAGENMANN-FROBOESE SYNDROME; MULTIPLE ENDOCRINE NEOPLASIA, TYPE III; MULTIPLE ENDOCRINE NEOPLASIA, TYPE IIB; MEN IIB; NEUROMATA, MUCOSAL, WITH ENDOCRINE TUMORS; MEN 2B. Identifiers: Orphanet 247709, Orphanet 653, MedGen C0025269, MeSH D018814, MONDO:0008082, OMIM 162300.
Pheochromocytoma. Also called: MAX-Related Hereditary Paraganglioma-Pheochromocytoma Syndrome. Identifiers: Orphanet 29072, MedGen C0031511, MONDO:0008233, OMIM 171300, HP:0002666.
Familial medullary thyroid carcinoma (MTC). Also called: Thyroid cancer, familial medullary; MTC, familial; Familial Medullary Thyroid Carcinoma (FMTC). Identifiers: Orphanet 653, Orphanet 99361, MedGen C1833921, MONDO:0007958, OMIM 155240.
Multiple endocrine neoplasia type 2A. Also called: Multiple Endocrine Neoplasia Type 2A (MEN2A); MULTIPLE ENDOCRINE NEOPLASIA, TYPE IIA; PTC SYNDROME; SIPPLE SYNDROME; MEN 2A; MEN-2A syndrome. Identifiers: Orphanet 247698, Orphanet 653, MedGen C0025268, MeSH D018813, MONDO:0008234, OMIM 171400.
Hereditary cancer-predisposing syndrome. Also called: Tumor predisposition; Hereditary Cancer Syndrome; Hereditary neoplastic syndrome; Neoplastic Syndromes, Hereditary. Identifiers: Orphanet 140162, MedGen C0027672, MeSH D009386, MONDO:0015356.
Renal hypodysplasia/aplasia 1 (RHDA1). Also called: RENAL APLASIA; HEREDITARY RENAL APLASIA. Identifiers: Orphanet 411709, MedGen C1619700, MONDO:0024519, OMIM 191830.
Multiple endocrine neoplasia. Identifiers: Orphanet 276161, MedGen C0027662, MONDO:0017169.
Multiple endocrine neoplasia, type 2 (MEN2). Identifiers: Orphanet 653, MedGen C4048306, MONDO:0019003. Disease mechanism: gain of function.

Allele frequency attached by ClinVar (database versions not stated): gnomAD exomes below 0.00001 and 0.00001; gnomAD 0.00001; TOPMed 0.00002.
gnomAD v4.1: 11 of 1,613,808 alleles (0.00068%); highest among the groups gnomAD compares: Non-Finnish European, 0.00085%; no homozygotes.

Submissions (10):

Labcorp Genetics (formerly Invitae), Labcorp
Classification: Uncertain significance for Multiple endocrine neoplasia, type 2. Last evaluated: 2025-10-15. Review status: criteria provided, single submitter. Criteria: Invitae Variant Classification Sherloc (09022015). Collection method: clinical testing. Allele origin: germline.
Comment: This sequence change replaces leucine, which is neutral and non-polar, with phenylalanine, which is neutral and non-polar, at codon 389 of the RET protein (p.Leu389Phe). This variant is present in population databases (no rsID available, gnomAD 0.0009%). This missense change has been observed in individual(s) with osteosarcoma (PMID: 32179705). ClinVar contains an entry for this variant (Variation ID: 405539). An algorithm developed to predict the effect of missense changes on protein structure and function (PolyPhen-2) suggests that this variant is likely to be disruptive. Experimental studies have shown that this missense change does not substantially affect RET function (PMID: 32179705). In summary, the available evidence is currently insufficient to determine the role of this variant in disease. Therefore, it has been classified as a Variant of Uncertain Significance.

Color Diagnostics, LLC DBA Color Health
Classification: Likely benign for Multiple endocrine neoplasia, type 2. Last evaluated: 2025-08-29. Review status: criteria provided, single submitter. Criteria: ACMG Guidelines, 2015. Collection method: clinical testing. Allele origin: germline.

All of Us Research Program, National Institutes of Health
Classification: Uncertain significance for Multiple endocrine neoplasia, type 2. Last evaluated: 2024-08-06. Review status: criteria provided, single submitter. Criteria: ACMG Guidelines, 2015. Collection method: clinical testing. Allele origin: germline. Inheritance: Autosomal dominant inheritance. Observed: 2 variant alleles, 2 heterozygotes.
Comment: This missense variant replaces leucine with phenylalanine at codon 389 of the RET protein. Computational prediction suggests that this variant may not impact protein structure and function (internally defined REVEL score threshold <= 0.5, PMID: 27666373). A functional study has shown this variant does not impact RET kinase activity (PMID: 32179705). This variant has been reported in an individual affected with osteosarcoma (PMID: 32179705). This variant has been identified in 1/251034 chromosomes in the general population by the Genome Aggregation Database (gnomAD). The available evidence is insufficient to determine the role of this variant in disease conclusively. Therefore, this variant is classified as a Variant of Uncertain Significance.

This study involves interpretation of variants in research participants for the purpose of population health screening. Participant phenotype was not available at the time of variant classification. Additional details can be found in publication PMID: 35346344, PMCID: PMC8962531

Fulgent Genetics
Classification: Uncertain significance for Hirschsprung disease, susceptibility to, 1; Familial medullary thyroid carcinoma; Multiple endocrine neoplasia type 2B; Pheochromocytoma; Multiple endocrine neoplasia type 2A. Last evaluated: 2024-06-07. Review status: criteria provided, single submitter. Criteria: ACMG Guidelines, 2015. Collection method: clinical testing. Allele origin: germline.

Baylor Genetics
Classification: Uncertain significance for Hirschsprung disease, susceptibility to, 1. Last evaluated: 2023-08-06. Review status: criteria provided, single submitter. Criteria: ACMG Guidelines, 2015. Collection method: clinical testing. Allele origin: unknown.

Ambry Genetics
Classification: Likely benign for Hereditary cancer-predisposing syndrome. Last evaluated: 2020-09-08. Review status: criteria provided, single submitter. Criteria: Ambry Variant Classification Scheme 2023. Collection method: clinical testing. Allele origin: germline.

Illumina Laboratory Services, Illumina
Classification: Uncertain significance for Pheochromocytoma. Last evaluated: 2017-04-27. Review status: criteria provided, single submitter. Criteria: ICSL Variant Classification Criteria 13 December 2019. Collection method: clinical testing. Allele origin: germline.

Illumina Laboratory Services, Illumina
Classification: Uncertain significance for Renal hypodysplasia/aplasia 1. Last evaluated: 2017-04-27. Review status: criteria provided, single submitter. Criteria: ICSL Variant Classification Criteria 13 December 2019. Collection method: clinical testing. Allele origin: germline.

Illumina Laboratory Services, Illumina
Classification: Uncertain significance for Hirschsprung disease, susceptibility to, 1. Last evaluated: 2017-04-27. Review status: criteria provided, single submitter. Criteria: ICSL Variant Classification Criteria 13 December 2019. Collection method: clinical testing. Allele origin: germline.

Illumina Laboratory Services, Illumina
Classification: Uncertain significance for Multiple endocrine neoplasia. Last evaluated: 2017-04-27. Review status: criteria provided, single submitter. Criteria: ICSL Variant Classification Criteria 13 December 2019. Collection method: clinical testing. Allele origin: germline.

Literature cited by the submitters: PubMed 32179705 (cited by Labcorp Genetics (formerly Invitae), Labcorp and All of Us Research Program, National Institutes of Health).